The following is an entry in ClinVar:

ClinVar aggregate classification (germline): Uncertain significance (1 of 4 stars; one submission).

Allele frequency attached by ClinVar (database versions not stated): TOPMed below 0.00001; gnomAD exomes 0.00001; gnomAD 0.00002.
gnomAD v4.1: 12 of 1,613,926 alleles (0.00074%); highest among the groups gnomAD compares: South Asian, 0.0011%; no homozygotes.

Submission:

Labcorp Genetics (formerly Invitae), Labcorp
Classification: Uncertain significance. Last evaluated: 2025-08-04. Review status: criteria provided, single submitter. Criteria: Invitae Variant Classification Sherloc (09022015). Collection method: clinical testing. Allele origin: germline.
Comment: This sequence change replaces glycine, which is neutral and non-polar, with arginine, which is basic and polar, at codon 824 of the KANK4 protein (p.Gly824Arg). This variant is present in population databases (no rsID available, gnomAD 0.007%). This variant has not been reported in the literature in individuals affected with KANK4-related conditions. ClinVar contains an entry for this variant (Variation ID: 2177531). An algorithm developed to predict the effect of missense changes on protein structure and function (PolyPhen-2) suggests that this variant is likely to be disruptive. In summary, the available evidence is currently insufficient to determine the role of this variant in disease. Therefore, it has been classified as a Variant of Uncertain Significance.

NM_181712.5(KANK4):c.2470G>A (p.Gly824Arg)

Gene: KANK4 (KN motif and ankyrin repeat domains 4; minus strand). Cytogenetic location: 1p31.3.
Variant type: single nucleotide variant.
Coding change: c.2470G>A on transcript NM_181712.5 (MANE Select); coding-DNA position 2470, G replaced by A.
Protein change: p.Gly824Arg; replaces glycine 824 with arginine.
Molecular consequence: missense variant.
Genome position (GRCh38, 1-based): chr1:62,263,161, C>T on the plus strand (G>A on the coding strand, the complement: KANK4 is on the minus strand). VCF-style: chr1-62263161-C-T. GRCh37 (hg19) VCF-style: chr1-62728833-C-T.
Other names: c.586G>A, p.Gly196Arg (NM_001320269.2); short protein forms G196R, G824R.
Identifiers: ClinVar variation 2177531 (VCV002177531.4), dbSNP rs1213102522, ClinGen allele CA340599235.